The following is an entry in ClinVar:

ClinVar aggregate classification (germline): Uncertain significance. Review status: criteria provided, multiple submitters, no conflicts (2 of 4 stars). 3 submissions from 3 submitters: Uncertain significance (3). Last evaluated 2026-05-30.

Conditions:
Cardiovascular phenotype. Identifiers: MedGen CN230736.
Brugada syndrome. Also called: Sudden unexpected nocturnal death syndrome; Sudden Unexplained Death Syndrome; Sudden Unexplained Nocturnal Death Syndrome (SUNDS); Sudden unexplained nocturnal death syndrome. Identifiers: Orphanet 130, MedGen C1142166, MONDO:0015263.

Allele frequency attached by ClinVar (database versions not stated): TOPMed 0.00002; gnomAD 0.00001.

Submissions (3):

Women's Health and Genetics/Laboratory Corporation of America, LabCorp
Classification: Uncertain significance. Last evaluated: 2026-05-30. Review status: criteria provided, single submitter. Criteria: LabCorp Variant Classification Summary - May 2015. Collection method: clinical testing. Allele origin: germline.

Ambry Genetics
Classification: Uncertain significance for Cardiovascular phenotype. Last evaluated: 2025-06-29. Review status: criteria provided, single submitter. Criteria: Ambry Variant Classification Scheme 2023. Collection method: clinical testing. Allele origin: germline.

Labcorp Genetics (formerly Invitae), Labcorp
Classification: Uncertain significance for Brugada syndrome. Last evaluated: 2018-06-25. Review status: criteria provided, single submitter. Criteria: Invitae Variant Classification Sherloc (09022015). Collection method: clinical testing. Allele origin: germline.
Comment: This sequence change replaces isoleucine with threonine at codon 297 of the SCN10A protein (p.Ile297Thr). The isoleucine residue is weakly conserved and there is a moderate physicochemical difference between isoleucine and threonine. This variant is not present in population databases (ExAC no frequency). This variant has not been reported in the literature in individuals with SCN10A-related disease. Algorithms developed to predict the effect of missense changes on protein structure and function output the following: SIFT: "Tolerated"; PolyPhen-2: "Benign"; Align-GVGD: "Class C0". The threonine amino acid residue is found in multiple mammalian species, suggesting that this missense change does not adversely affect protein function. These predictions have not been confirmed by published functional studies and their clinical significance is uncertain. In summary, the available evidence is currently insufficient to determine the role of this variant in disease. Therefore, it has been classified as a Variant of Uncertain Significance.

NM_006514.4(SCN10A):c.890T>C (p.Ile297Thr)

Gene: SCN10A (sodium voltage-gated channel alpha subunit 10; minus strand). Cytogenetic location: 3p22.2.
Variant type: single nucleotide variant.
Coding change: c.890T>C on transcript NM_006514.4 (MANE Select); coding-DNA position 890, T replaced by C.
Protein change: p.Ile297Thr; replaces isoleucine 297 with threonine.
Molecular consequence: missense variant.
Genome position (GRCh38, 1-based): chr3:38,760,741, A>G on the plus strand (T>C on the coding strand, the complement: SCN10A is on the minus strand). VCF-style: chr3-38760741-A-G. GRCh37 (hg19) VCF-style: chr3-38802232-A-G.
Other names: c.890T>C, p.Ile297Thr (NM_001293306.2, NM_001293307.2); short protein forms I297T.
Identifiers: ClinVar variation 577982 (VCV000577982.9), dbSNP rs553913580, ClinGen allele CA72994413.